The following is an entry in ClinVar:

ClinVar aggregate classification (germline): Conflicting classifications of pathogenicity. Review status: criteria provided, conflicting classifications (1 of 4 stars). 2 submissions from 2 submitters: Uncertain significance (1); Likely benign (1). Last evaluated 2024-02-26.

Conditions:
X-linked distal spinal muscular atrophy type 3. Also called: NEURONOPATHY, DISTAL HEREDITARY MOTOR, X-LINKED; NEUROPATHY, DISTAL HEREDITARY MOTOR, X-LINKED; ATP7A-Related Distal Motor Neuropathy; SPINAL MUSCULAR ATROPHY, DISTAL, X-LINKED RECESSIVE. Identifiers: Orphanet 139557, MedGen C1845359, MONDO:0010338, OMIM 300489.
Menkes kinky-hair syndrome (MNK). Also called: Menkes Disease; Copper transport disease; Classic Menkes Disease. Identifiers: Orphanet 565, MedGen C0022716, MONDO:0010651, OMIM 309400.
Cutis laxa, X-linked (OHS). Also called: EDS IX; Occipital horn syndrome. Identifiers: Orphanet 198, MedGen C0268353, MONDO:0010572, OMIM 304150.

Allele frequency attached by ClinVar (database versions not stated): gnomAD 0.00001; gnomAD exomes 0.00001 and 0.00003; ExAC 0.00002; 1000 Genomes Project 30x 0.00021; 1000 Genomes Project 0.00026.
gnomAD v4.1: 8 of 1,208,874 alleles (0.00066%); highest among the groups gnomAD compares: Admixed American, 0.0088%; no homozygotes.

Submissions (2):

GeneDx
Classification: Uncertain significance. Last evaluated: 2024-02-26. Review status: criteria provided, single submitter. Criteria: GeneDx Variant Classification Process June 2021. Collection method: clinical testing. Allele origin: germline. Affected: yes.
Comment: Has not been previously published as pathogenic or benign to our knowledge; In silico analysis supports that this missense variant does not alter protein structure/function

Labcorp Genetics (formerly Invitae), Labcorp
Classification: Likely benign for X-linked distal spinal muscular atrophy type 3; Cutis laxa, X-linked; Menkes kinky-hair syndrome. Last evaluated: 2023-11-04. Review status: criteria provided, single submitter. Criteria: Invitae Variant Classification Sherloc (09022015). Collection method: clinical testing. Allele origin: germline.

NM_000052.7(ATP7A):c.1226G>A (p.Arg409Gln)

Gene: ATP7A (ATPase copper transporting alpha; plus strand). Cytogenetic location: Xq21.1.
Variant type: single nucleotide variant.
Coding change: c.1226G>A on transcript NM_000052.7 (MANE Select); coding-DNA position 1226, G replaced by A.
Protein change: p.Arg409Gln; replaces arginine 409 with glutamine.
Molecular consequence: missense variant.
Genome position (GRCh38, 1-based): chrX:77,989,848, G>A. VCF-style: chrX-77989848-G-A. GRCh37 (hg19) VCF-style: chrX-77245344-G-A.
Other names: c.1226G>A (NM_000052.4); c.1226G>A, p.Arg409Gln (NM_001282224.2); short protein forms R409Q.
Identifiers: ClinVar variation 1644817 (VCV001644817.9), dbSNP rs201763950, ClinGen allele CA10459008.